The following is an entry in ClinVar:

NM_014855.3(AP5Z1):c.1377C>T (p.Asp459=)

Gene: AP5Z1 (adaptor related protein complex 5 subunit zeta 1; plus strand). Cytogenetic location: 7p22.1.
Variant type: single nucleotide variant.
Coding change: c.1377C>T on transcript NM_014855.3 (MANE Select); coding-DNA position 1377, C replaced by T.
Protein change: p.Asp459=; no amino-acid change (aspartic acid 459 retained).
Molecular consequence: synonymous variant. On other transcripts: non-coding transcript variant (1).
Genome position (GRCh38, 1-based): chr7:4,787,699, C>T. VCF-style: chr7-4787699-C-T. GRCh37 (hg19) VCF-style: chr7-4827330-C-T.
Other names: p.Asp459=; c.1377C>T, p.Asp459= (LRG_1247t1); c.909C>T, p.Asp303= (NM_001364858.1).
Identifiers: ClinVar variation 360330 (VCV000360330.19), dbSNP rs17135128, ClinGen allele CA4137779.

ClinVar aggregate classification (germline): Benign. Review status: criteria provided, multiple submitters, no conflicts (2 of 4 stars). 5 submissions from 5 submitters: Benign (5). Last evaluated 2026-02-04.

Conditions:
Hereditary spastic paraplegia 48. Also called: SPASTIC PARAPLEGIA 48, AUTOSOMAL RECESSIVE; Spastic paraplegia 48. Identifiers: Orphanet 306511, MedGen C3150901, MONDO:0013342, OMIM 613647.

Allele frequency attached by ClinVar (database versions not stated): ESP Exome Variant Server 0.05794; gnomAD 0.06038 and 0.06436; TOPMed 0.06050; gnomAD exomes 0.07279 and 0.08123; 1000 Genomes Project 30x 0.08073; 1000 Genomes Project 0.08147; ExAC 0.13232.
gnomAD v4.1: 112,040 of 1,551,784 alleles (7.2%); highest among the groups gnomAD compares: South Asian, 18%; 4,927 homozygotes.

Submissions (5):

Labcorp Genetics (formerly Invitae), Labcorp
Classification: Benign for Hereditary spastic paraplegia 48. Last evaluated: 2026-02-04. Review status: criteria provided, single submitter. Criteria: Invitae Variant Classification Sherloc (09022015). Collection method: clinical testing. Allele origin: germline.

Genome-Nilou Lab
Classification: Benign for Hereditary spastic paraplegia 48. Last evaluated: 2021-07-14. Review status: criteria provided, single submitter. Criteria: ACMG Guidelines, 2015. Collection method: clinical testing. Allele origin: germline. Affected: no.

Mayo Clinic Laboratories, Mayo Clinic
Classification: Benign. Last evaluated: 2020-06-04. Review status: criteria provided, single submitter. Criteria: ACMG Guidelines, 2015. Collection method: clinical testing. Allele origin: germline. Observed: 212 variant alleles.

GeneDx
Classification: Benign. Last evaluated: 2018-08-15. Review status: criteria provided, single submitter. Criteria: GeneDx Variant Classification Process June 2021. Collection method: clinical testing. Allele origin: germline. Affected: yes.

Illumina Laboratory Services, Illumina
Classification: Benign for Hereditary spastic paraplegia 48. Last evaluated: 2018-01-12. Review status: criteria provided, single submitter. Criteria: ICSL Variant Classification Criteria 13 December 2019. Collection method: clinical testing. Allele origin: germline.
Comment: This variant was observed in the ICSL laboratory as part of a predisposition screen in an ostensibly healthy population. It had not been previously curated by ICSL or reported in the Human Gene Mutation Database (HGMD: prior to June 1st, 2018), and was therefore a candidate for classification through an automated scoring system. Utilizing variant allele frequency, disease prevalence and penetrance estimates, and inheritance mode, an automated score was calculated to assess if this variant is too frequent to cause the disease. Based on the score and internal cut-off values, a variant classified as benign is not then subjected to further curation. The score for this variant resulted in a classification of benign for this disease.